The following is an entry in ClinVar:

NM_000498.3(CYP11B2):c.65G>A (p.Arg22Gln)

Genes: CYP11B2 (cytochrome P450 family 11 subfamily B member 2; minus strand), LOC106799834 (CYP11B2 recombination region; plus strand). Cytogenetic location: 8q24.3.
Variant type: single nucleotide variant.
Coding change: c.65G>A on transcript NM_000498.3 (MANE Select); coding-DNA position 65, G replaced by A.
Protein change: p.Arg22Gln; replaces arginine 22 with glutamine.
Molecular consequence: missense variant.
Genome position (GRCh38, 1-based): chr8:142,917,776, C>T on the plus strand (G>A on the coding strand, the complement: CYP11B2 is on the minus strand). VCF-style: chr8-142917776-C-T. GRCh37 (hg19) VCF-style: chr8-143999192-C-T.
Other names: short protein forms R22Q.
Identifiers: ClinVar variation 1564622 (VCV001564622.10), dbSNP rs200559721, ClinGen allele CA4906385.

ClinVar aggregate classification (germline): Conflicting classifications of pathogenicity. Review status: criteria provided, conflicting classifications (1 of 4 stars). 3 submissions from 3 submitters: Uncertain significance (2); Likely benign (1). Last evaluated 2025-12-23.

Conditions:
Corticosterone 18-monooxygenase deficiency. Also called: 18 Hydroxylase deficiency; Aldosterone deficiency due to defect in 18 hydroxylase; Aldosterone deficiency 1; 18 alpha hydroxylase deficiency; Corticosterone methyloxidase type 1 deficiency; CMO 1 deficiency. Identifiers: Orphanet 427, MedGen C0268293, MONDO:0008751, OMIM 203400. Disease mechanism: loss of function.
Corticosterone methyloxidase type 2 deficiency. Also called: 18-OXIDASE DEFICIENCY; ALDOSTERONE DEFICIENCY DUE TO DEFICIENCY OF STEROID 18-OXIDASE; ALDOSTERONE DEFICIENCY II; CMO II DEFICIENCY; STEROID 18-OXIDASE DEFICIENCY. Identifiers: Orphanet 427, MedGen C3463917, MONDO:0012524, OMIM 610600. Disease mechanism: loss of function.

Allele frequency attached by ClinVar (database versions not stated): gnomAD 0.00004 and 0.00005; TOPMed 0.00006; ESP Exome Variant Server 0.00008; gnomAD exomes 0.00008 and 0.00013; ExAC 0.00017; 1000 Genomes Project 30x 0.00031; 1000 Genomes Project 0.00040.
gnomAD v4.1: 132 of 1,614,194 alleles (0.0082%); highest among the groups gnomAD compares: South Asian, 0.034%; no homozygotes.

Submissions (3):

Labcorp Genetics (formerly Invitae), Labcorp
Classification: Likely benign. Last evaluated: 2025-12-23. Review status: criteria provided, single submitter. Criteria: Invitae Variant Classification Sherloc (09022015). Collection method: clinical testing. Allele origin: germline.

Women's Health and Genetics/Laboratory Corporation of America, LabCorp
Classification: Uncertain significance. Last evaluated: 2024-09-16. Review status: criteria provided, single submitter. Criteria: LabCorp Variant Classification Summary - May 2015. Collection method: clinical testing. Allele origin: germline.
Comment: Variant summary: CYP11B2 c.65G>A (p.Arg22Gln) results in a conservative amino acid change in the encoded protein sequence. Five of five in-silico tools predict a benign effect of the variant on protein function. The variant allele was found at a frequency of 0.00013 in 251116 control chromosomes, predominantly at a frequency of 0.00052 within the South Asian subpopulation in the gnomAD database. This frequency is not significantly higher than estimated for a pathogenic variant in CYP11B2 causing Familial Hypoaldosteronism (0.00013 vs 0.0011), allowing no conclusion about variant significance. To our knowledge, no occurrence of c.65G>A in individuals affected with Familial Hypoaldosteronism and no experimental evidence demonstrating its impact on protein function have been reported. ClinVar contains an entry for this variant (Variation ID: 1564622). Based on the evidence outlined above, the variant was classified as uncertain significance.

Fulgent Genetics
Classification: Uncertain significance for Corticosterone 18-monooxygenase deficiency; Corticosterone methyloxidase type 2 deficiency. Last evaluated: 2024-04-01. Review status: criteria provided, single submitter. Criteria: ACMG Guidelines, 2015. Collection method: clinical testing. Allele origin: germline.